The following is an entry in ClinVar:

ClinVar aggregate classification (germline): Uncertain significance (1 of 4 stars; one submission).

Conditions:
Hereditary cancer-predisposing syndrome. Also called: Tumor predisposition; Hereditary Cancer Syndrome; Hereditary neoplastic syndrome; Neoplastic Syndromes, Hereditary. Identifiers: Orphanet 140162, MedGen C0027672, MeSH D009386, MONDO:0015356.

Submission:

Ambry Genetics
Classification: Uncertain significance for Hereditary cancer-predisposing syndrome. Last evaluated: 2023-08-03. Review status: criteria provided, single submitter. Criteria: Ambry Variant Classification Scheme 2023. Collection method: clinical testing. Allele origin: germline.
Comment: The p.C163F variant (also known as c.488G>T), located in coding exon 4 of the CDH1 gene, results from a G to T substitution at nucleotide position 488. The cysteine at codon 163 is replaced by phenylalanine, an amino acid with highly dissimilar properties. This amino acid position is conserved. In addition, this alteration is predicted to be tolerated by in silico analysis. Since supporting evidence is limited at this time, the clinical significance of this alteration remains unclear.

NM_004360.5(CDH1):c.488G>T (p.Cys163Phe)

Gene: CDH1 (cadherin 1; plus strand). Cytogenetic location: 16q22.1.
Variant type: single nucleotide variant.
Coding change: c.488G>T on transcript NM_004360.5 (MANE Select); coding-DNA position 488, G replaced by T.
Protein change: p.Cys163Phe; replaces cysteine 163 with phenylalanine.
Molecular consequence: missense variant. On other transcripts: 5 prime UTR variant (2).
Genome position (GRCh38, 1-based): chr16:68,808,524, G>T. VCF-style: chr16-68808524-G-T. GRCh37 (hg19) VCF-style: chr16-68842427-G-T.
Other names: c.488G>T, p.Cys163Phe (NM_001317184.2); c.-1128G>T (NM_001317185.2); c.-1332G>T (NM_001317186.2); short protein forms C163F.
Identifiers: ClinVar variation 2587435 (VCV002587435.2), dbSNP rs748783182, ClinGen allele CA396457727.